The following is an entry in ClinVar:

ClinVar aggregate classification (germline): Uncertain significance (1 of 4 stars; one submission).

Allele frequency attached by ClinVar (database versions not stated): gnomAD 0.00001; gnomAD exomes 0.00001; ExAC 0.00002.
gnomAD v4.1: 8 of 1,614,038 alleles (0.0005%); highest among the groups gnomAD compares: South Asian, 0.0011%; no homozygotes.

Submission:

Labcorp Genetics (formerly Invitae), Labcorp
Classification: Uncertain significance. Last evaluated: 2021-11-16. Review status: criteria provided, single submitter. Criteria: Invitae Variant Classification Sherloc (09022015). Collection method: clinical testing. Allele origin: germline.
Comment: In summary, the available evidence is currently insufficient to determine the role of this variant in disease. Therefore, it has been classified as a Variant of Uncertain Significance. Algorithms developed to predict the effect of missense changes on protein structure and function output the following: SIFT: "Not Available"; PolyPhen-2: "Benign"; Align-GVGD: "Not Available". The glutamic acid amino acid residue is found in multiple mammalian species, which suggests that this missense change does not adversely affect protein function. This variant has not been reported in the literature in individuals affected with FN1-related conditions. This variant is present in population databases (rs747310742, gnomAD 0.002%). This sequence change replaces alanine, which is neutral and non-polar, with glutamic acid, which is acidic and polar, at codon 291 of the FN1 protein (p.Ala291Glu).

NM_212482.4(FN1):c.872C>A (p.Ala291Glu)

Gene: FN1 (fibronectin 1; minus strand). Cytogenetic location: 2q35.
Variant type: single nucleotide variant.
Coding change: c.872C>A on transcript NM_212482.4 (MANE Select); coding-DNA position 872, C replaced by A.
Protein change: p.Ala291Glu; replaces alanine 291 with glutamic acid.
Molecular consequence: missense variant.
Genome position (GRCh38, 1-based): chr2:215,425,258, G>T on the plus strand (C>A on the coding strand, the complement: FN1 is on the minus strand). VCF-style: chr2-215425258-G-T. GRCh37 (hg19) VCF-style: chr2-216289981-G-T.
Other names: c.872C>A, p.Ala291Glu (NM_001306130.2, NM_001306131.2, NM_001306132.2 and 14 more transcripts); short protein forms A291E.
Identifiers: ClinVar variation 1380765 (VCV001380765.6), dbSNP rs747310742, ClinGen allele CA2095434.